The following is an entry in ClinVar:

ClinVar aggregate classification (germline): Uncertain significance. Review status: criteria provided, multiple submitters, no conflicts (2 of 4 stars). 2 submissions from 2 submitters: Uncertain significance (2). Last evaluated 2026-07-16.

Conditions:
Sheldon-Hall syndrome. Also called: Freeman Sheldon syndrome, variant. Identifiers: Orphanet 1147, MedGen C1834523, MONDO:0011128.

Submissions (2):

Clinical Genetics Laboratory, Skane University Hospital Lund
Classification: Uncertain significance for Sheldon-Hall syndrome. Last evaluated: 2026-07-16. Review status: criteria provided, single submitter. Criteria: ACMG Guidelines, 2015. Collection method: clinical testing. Allele origin: germline. Inheritance: Autosomal dominant inheritance. Affected: yes.
Comment: ACMG criteria used: PM2, PP1, PP3.

Labcorp Genetics (formerly Invitae), Labcorp
Classification: Uncertain significance. Last evaluated: 2024-03-21. Review status: criteria provided, single submitter. Criteria: Invitae Variant Classification Sherloc (09022015). Collection method: clinical testing. Allele origin: germline.
Comment: This sequence change replaces tryptophan, which is neutral and slightly polar, with arginine, which is basic and polar, at codon 830 of the MYH3 protein (p.Trp830Arg). This variant is not present in population databases (gnomAD no frequency). This variant has not been reported in the literature in individuals affected with MYH3-related conditions. Advanced modeling of protein sequence and biophysical properties (such as structural, functional, and spatial information, amino acid conservation, physicochemical variation, residue mobility, and thermodynamic stability) performed at Invitae indicates that this missense variant is expected to disrupt MYH3 protein function with a positive predictive value of 95%. In summary, the available evidence is currently insufficient to determine the role of this variant in disease. Therefore, it has been classified as a Variant of Uncertain Significance.

NM_002470.4(MYH3):c.2488T>C (p.Trp830Arg)

Gene: MYH3 (myosin heavy chain 3; minus strand). Cytogenetic location: 17p13.1.
Variant type: single nucleotide variant.
Coding change: c.2488T>C on transcript NM_002470.4 (MANE Select); coding-DNA position 2488, T replaced by C.
Protein change: p.Trp830Arg; replaces tryptophan 830 with arginine.
Molecular consequence: missense variant.
Genome position (GRCh38, 1-based): chr17:10,640,190, A>G on the plus strand (T>C on the coding strand, the complement: MYH3 is on the minus strand). VCF-style: chr17-10640190-A-G. GRCh37 (hg19) VCF-style: chr17-10543507-A-G.
Other names: short protein forms W830R.
Identifiers: ClinVar variation 3337351 (VCV003337351.4).